The following is an entry in ClinVar:

NM_000553.6(WRN):c.4196C>T (p.Ser1399Leu)

Genes: WRN (WRN RecQ like helicase; plus strand), LOC126860342 (MED14-independent group 3 enhancer GRCh37_chr8:31029565-31030764; plus strand). Cytogenetic location: 8p12.
Variant type: single nucleotide variant.
Coding change: c.4196C>T on transcript NM_000553.6 (MANE Select); coding-DNA position 4196, C replaced by T.
Protein change: p.Ser1399Leu; replaces serine 1399 with leucine.
Molecular consequence: missense variant.
Genome position (GRCh38, 1-based): chr8:31,172,999, C>T. VCF-style: chr8-31172999-C-T. GRCh37 (hg19) VCF-style: chr8-31030515-C-T.
Other names: short protein forms S1399L.
Identifiers: ClinVar variation 2978763 (VCV002978763.3), dbSNP rs2536089039, ClinGen allele CA370911521.

ClinVar aggregate classification (germline): Uncertain significance (1 of 4 stars; one submission).

Conditions:
Werner syndrome (WRN). Identifiers: Orphanet 902, MedGen C0043119, MONDO:0010196, OMIM 277700.

Submission:

Labcorp Genetics (formerly Invitae), Labcorp
Classification: Uncertain significance for Werner syndrome. Last evaluated: 2023-04-01. Review status: criteria provided, single submitter. Criteria: Invitae Variant Classification Sherloc (09022015). Collection method: clinical testing. Allele origin: germline.
Comment: This variant is not present in population databases (gnomAD no frequency). In summary, the available evidence is currently insufficient to determine the role of this variant in disease. Therefore, it has been classified as a Variant of Uncertain Significance. An algorithm developed to predict the effect of missense changes on protein structure and function (PolyPhen-2) suggests that this variant is likely to be tolerated. This variant has not been reported in the literature in individuals affected with WRN-related conditions. This sequence change replaces serine, which is neutral and polar, with leucine, which is neutral and non-polar, at codon 1399 of the WRN protein (p.Ser1399Leu).